The following is an entry in ClinVar:

ClinVar aggregate classification (germline): Likely benign (1 of 4 stars; one submission).

Submission:

CeGaT Center for Human Genetics Tuebingen
Classification: Likely benign. Last evaluated: 2023-01-01. Review status: criteria provided, single submitter. Criteria: CeGaT Center For Human Genetics Tuebingen Variant Classification Criteria Version 2. Collection method: clinical testing. Allele origin: germline. Affected: yes. Observed: 1 variant allele.
Comment: SYNE2: PM2:Supporting, BP4, BP7

NM_182914.3(SYNE2):c.606T>C (p.Asn202=)

Gene: SYNE2 (spectrin repeat containing nuclear envelope protein 2; plus strand). Cytogenetic location: 14q23.2.
Variant type: single nucleotide variant.
Coding change: c.606T>C on transcript NM_182914.3 (MANE Select); coding-DNA position 606, T replaced by C.
Protein change: p.Asn202=; no amino-acid change (asparagine 202 retained).
Molecular consequence: synonymous variant.
Genome position (GRCh38, 1-based): chr14:63,954,734, T>C. VCF-style: chr14-63954734-T-C. GRCh37 (hg19) VCF-style: chr14-64421452-T-C.
Other names: c.606T>C, p.Asn202= (NM_015180.6).
Identifiers: ClinVar variation 2644279 (VCV002644279.24), dbSNP rs1258115290, ClinGen allele CA486696638.